The following is an entry in ClinVar:

ClinVar aggregate classification (germline): Pathogenic (1 of 4 stars; one submission).

Submission:

Labcorp Genetics (formerly Invitae), Labcorp
Classification: Pathogenic. Last evaluated: 2017-11-01. Review status: criteria provided, single submitter. Criteria: Invitae Variant Classification Sherloc (09022015). Collection method: clinical testing. Allele origin: germline.
Comment: This variant is present in population databases (rs752653908, ExAC 0.01%). For these reasons, this variant has been classified as Pathogenic. Loss-of-function variants in LMBR1 are known to be pathogenic (PMID: 11090342, 26749485). This variant has not been reported in the literature in individuals with LMBR1-related disease. This sequence change creates a premature translational stop signal (p.Glu280Glyfs*55) in the LMBR1 gene. It is expected to result in an absent or disrupted protein product.

Literature cited by the submitters: PubMed 11090342; PubMed 26749485.

NC_000007.14:g.156728717CT[1]

Gene: LMBR1 (limb development membrane protein 1; minus strand). Cytogenetic location: 7q36.3.
Variant type: Microsatellite.
Genome position: GRCh38 VCF-style: chr7-156728716-CCTCT-C. GRCh37 (hg19) VCF-style: chr7-156521410-CCTCT-C.
Identifiers: ClinVar variation 1070638 (VCV001070638.5), dbSNP rs752653908, ClinGen allele CA4587935.